The following is an entry in ClinVar:

ClinVar aggregate classification (germline): Pathogenic. Review status: criteria provided, single submitter (1 of 4 stars). 2 submissions from 2 submitters: Pathogenic (1). 1 of the submissions does not count toward it. Last evaluated 2026-01-02.

Conditions:
Deficiency of 2-methylbutyryl-CoA dehydrogenase (ACADSB). Also called: 2-methylbutyrylglycinuria; 2-methylbutyryl-CoA dehydrogenase deficiency; SBCAD deficiency; 2-methylbutyric aciduria; Short branched-chain acyl-CoA dehydrogenase deficiency. Identifiers: Orphanet 79157, MedGen C1864912, MONDO:0012392, OMIM 610006, HP:0020147.
ACADSB-related disorder. Also called: ACADSB-related condition.

Submissions (2):

Labcorp Genetics (formerly Invitae), Labcorp
Classification: Pathogenic for Deficiency of 2-methylbutyryl-CoA dehydrogenase. Last evaluated: 2026-01-02. Review status: criteria provided, single submitter. Criteria: Invitae Variant Classification Sherloc (09022015). Collection method: clinical testing. Allele origin: germline.
Comment: This sequence change creates a premature translational stop signal (p.Tyr372*) in the ACADSB gene. It is expected to result in an absent or disrupted protein product. Loss-of-function variants in ACADSB are known to be pathogenic (PMID: 20547083, 26284228). The frequency data for this variant in the population databases is considered unreliable, as metrics indicate poor data quality at this position in the gnomAD database. This variant has not been reported in the literature in individuals affected with ACADSB-related conditions. ClinVar contains an entry for this variant (Variation ID: 2632051). For these reasons, this variant has been classified as Pathogenic.

PreventionGenetics, part of Exact Sciences
Classification: Likely pathogenic for ACADSB-related condition. Last evaluated: 2024-01-03. Review status: no assertion criteria provided. Collection method: clinical testing. Allele origin: germline. Not counted in ClinVar's aggregate classification.
Comment: The ACADSB c.1116C>A variant is predicted to result in premature protein termination (p.Tyr372*). To our knowledge, this variant has not been reported in the literature. This variant is reported in 0.022% of alleles in individuals of Latino descent in gnomAD. Nonsense variants in ACADSB are expected to be pathogenic. This variant is interpreted as likely pathogenic.

Literature cited by the submitters: PubMed 20547083 (cited by Labcorp Genetics (formerly Invitae), Labcorp); PubMed 26284228 (cited by Labcorp Genetics (formerly Invitae), Labcorp).

NM_001609.4(ACADSB):c.1116C>A (p.Tyr372Ter)

Gene: ACADSB (acyl-CoA dehydrogenase short/branched chain; plus strand). Cytogenetic location: 10q26.13.
Variant type: single nucleotide variant.
Coding change: c.1116C>A on transcript NM_001609.4 (MANE Select); coding-DNA position 1116, C replaced by A.
Protein change: p.Tyr372Ter; replaces tyrosine 372 with a stop codon.
Molecular consequence: nonsense.
Genome position (GRCh38, 1-based): chr10:123,051,174, C>A. VCF-style: chr10-123051174-C-A. GRCh37 (hg19) VCF-style: chr10-124810690-C-A.
Other names: c.810C>A, p.Tyr270Ter (NM_001330174.3); short protein forms Y270*, Y372*.
Identifiers: ClinVar variation 2632051 (VCV002632051.5), dbSNP rs761798774, ClinGen allele CA5730912.